The following is an entry in ClinVar:

NM_001029883.3(PCARE):c.983_984del (p.Leu328fs)

Gene: PCARE (photoreceptor cilium actin regulator; minus strand). Cytogenetic location: 2p23.2.
Variant type: Deletion.
Coding change: c.983_984del on transcript NM_001029883.3 (MANE Select); coding-DNA positions 983 to 984, 2 bases deleted (TA; older notation c.983_984delTA).
Protein change: p.Leu328fs; shifts the reading frame from leucine 328.
Molecular consequence: frameshift variant.
Genome position (GRCh38, 1-based): chr2:29,073,278-29,073,279, TA deleted on the plus strand (TA on the coding strand, the reverse complement: PCARE is on the minus strand). VCF-style (leftmost placement, unchanged base first): chr2-29073277-CTA-C. GRCh37 (hg19) VCF-style: chr2-29296143-CTA-C.
Other names: short protein forms L328fs.
Identifiers: ClinVar variation 1424127 (VCV001424127.6), dbSNP rs2148416614, ClinGen allele CA2573134460.

ClinVar aggregate classification (germline): Pathogenic (1 of 4 stars; one submission).

Submission:

Labcorp Genetics (formerly Invitae), Labcorp
Classification: Pathogenic. Last evaluated: 2022-12-07. Review status: criteria provided, single submitter. Criteria: Invitae Variant Classification Sherloc (09022015). Collection method: clinical testing. Allele origin: germline.
Comment: For these reasons, this variant has been classified as Pathogenic. ClinVar contains an entry for this variant (Variation ID: 1424127). This variant has not been reported in the literature in individuals affected with PCARE-related conditions. This variant is not present in population databases (gnomAD no frequency). This sequence change creates a premature translational stop signal (p.Leu328Argfs*20) in the PCARE gene. It is expected to result in an absent or disrupted protein product. Loss-of-function variants in PCARE are known to be pathogenic (PMID: 20398886, 24339724, 26496393).

Literature cited by the submitters: PubMed 20398886; PubMed 24339724; PubMed 26496393.